The following is an entry in ClinVar:

ClinVar aggregate classification (germline): Uncertain significance (1 of 4 stars; one submission).

Allele frequency attached by ClinVar (database versions not stated): gnomAD exomes below 0.00001; TOPMed below 0.00001; ExAC 0.00001; gnomAD 0.00001.
gnomAD v4.1: 2 of 1,613,814 alleles (0.00012%); highest among the groups gnomAD compares: African/African-American, 0.0027%; no homozygotes.

Submission:

Labcorp Genetics (formerly Invitae), Labcorp
Classification: Uncertain significance. Last evaluated: 2022-03-24. Review status: criteria provided, single submitter. Criteria: Invitae Variant Classification Sherloc (09022015). Collection method: clinical testing. Allele origin: germline.
Comment: In summary, the available evidence is currently insufficient to determine the role of this variant in disease. Therefore, it has been classified as a Variant of Uncertain Significance. Algorithms developed to predict the effect of missense changes on protein structure and function (SIFT, PolyPhen-2, Align-GVGD) all suggest that this variant is likely to be tolerated. This variant has not been reported in the literature in individuals affected with STAT4-related conditions. This variant is present in population databases (rs757857474, gnomAD 0.007%). This sequence change replaces leucine, which is neutral and non-polar, with valine, which is neutral and non-polar, at codon 344 of the STAT4 protein (p.Leu344Val).

NM_003151.4(STAT4):c.1030C>G (p.Leu344Val)

Gene: STAT4 (signal transducer and activator of transcription 4; minus strand). Cytogenetic location: 2q32.2.
Variant type: single nucleotide variant.
Coding change: c.1030C>G on transcript NM_003151.4 (MANE Select); coding-DNA position 1030, C replaced by G.
Protein change: p.Leu344Val; replaces leucine 344 with valine.
Molecular consequence: missense variant.
Genome position (GRCh38, 1-based): chr2:191,061,733, G>C on the plus strand (C>G on the coding strand, the complement: STAT4 is on the minus strand). VCF-style: chr2-191061733-G-C. GRCh37 (hg19) VCF-style: chr2-191926459-G-C.
Other names: c.1030C>G, p.Leu344Val (NM_001243835.2); short protein forms L344V.
Identifiers: ClinVar variation 2116567 (VCV002116567.4), dbSNP rs757857474, ClinGen allele CA2030729.